The following is an entry in ClinVar:

NM_003060.4(SLC22A5):c.875A>T (p.Glu292Val)

Gene: SLC22A5 (solute carrier family 22 member 5; plus strand). Cytogenetic location: 5q31.1.
Variant type: single nucleotide variant.
Coding change: c.875A>T on transcript NM_003060.4 (MANE Select); coding-DNA position 875, A replaced by T.
Protein change: p.Glu292Val; replaces glutamic acid 292 with valine.
Molecular consequence: missense variant.
Genome position (GRCh38, 1-based): chr5:132,387,075, A>T. VCF-style: chr5-132387075-A-T. GRCh37 (hg19) VCF-style: chr5-131722767-A-T.
Other names: c.947A>T, p.Glu316Val (NM_001308122.2); short protein forms E292V, E316V.
Identifiers: ClinVar variation 575908 (VCV000575908.15), dbSNP rs371692440, ClinGen allele CA3404002.

ClinVar aggregate classification (germline): Uncertain significance. Review status: criteria provided, multiple submitters, no conflicts (2 of 4 stars). 4 submissions from 4 submitters: Uncertain significance (3). 1 of the submissions does not count toward it. Last evaluated 2024-07-16.

Conditions:
Decreased circulating carnitine concentration. Also called: Decreased plasma carnitine. Identifiers: MedGen C5848230, HP:0003234.
Renal carnitine transport defect (CDSP). Also called: CARNITINE DEFICIENCY, SYSTEMIC, DUE TO DEFECT IN RENAL REABSORPTION OF CARNITINE; CARNITINE TRANSPORTER, PLASMA-MEMBRANE, DEFICIENCY OF; CARNITINE UPTAKE DEFECT; Carnitine transporter deficiency; Carnitine Deficiency, Systemic; Primary carnitine deficiency. Identifiers: Orphanet 158, MedGen C0342788, MONDO:0008919, OMIM 212140.

Allele frequency attached by ClinVar (database versions not stated): ExAC 0.00001; gnomAD exomes 0.00001 and 0.00002; TOPMed 0.00005; gnomAD 0.00007; ESP Exome Variant Server 0.00008.
gnomAD v4.1: 27 of 1,613,950 alleles (0.0017%); highest among the groups gnomAD compares: African/African-American, 0.033%; no homozygotes.

Submissions (4):

GeneDx
Classification: Uncertain significance. Last evaluated: 2024-07-16. Review status: criteria provided, single submitter. Criteria: GeneDx Variant Classification Process June 2021. Collection method: clinical testing. Allele origin: germline. Affected: yes.
Comment: Has not been previously published as pathogenic or benign to our knowledge; In silico analysis supports that this missense variant has a deleterious effect on protein structure/function

Labcorp Genetics (formerly Invitae), Labcorp
Classification: Uncertain significance for Renal carnitine transport defect. Last evaluated: 2022-09-06. Review status: criteria provided, single submitter. Criteria: Invitae Variant Classification Sherloc (09022015). Collection method: clinical testing. Allele origin: germline.
Comment: This sequence change replaces glutamic acid, which is acidic and polar, with valine, which is neutral and non-polar, at codon 292 of the SLC22A5 protein (p.Glu292Val). This variant is present in population databases (rs371692440, gnomAD 0.02%). This variant has not been reported in the literature in individuals affected with SLC22A5-related conditions. ClinVar contains an entry for this variant (Variation ID: 575908). Advanced modeling of protein sequence and biophysical properties (such as structural, functional, and spatial information, amino acid conservation, physicochemical variation, residue mobility, and thermodynamic stability) performed at Invitae indicates that this missense variant is expected to disrupt SLC22A5 protein function. In summary, the available evidence is currently insufficient to determine the role of this variant in disease. Therefore, it has been classified as a Variant of Uncertain Significance.

Genome-Nilou Lab
Classification: Uncertain significance for Renal carnitine transport defect. Last evaluated: 2021-07-15. Review status: criteria provided, single submitter. Criteria: ACMG Guidelines, 2015. Collection method: clinical testing. Allele origin: germline. Affected: no.

Natera, Inc.
Classification: Uncertain significance for Carnitine deficiency. Last evaluated: 2020-07-15. Review status: no assertion criteria provided. Collection method: clinical testing. Allele origin: germline. Not counted in ClinVar's aggregate classification.